The following is an entry in ClinVar:

ClinVar aggregate classification (germline): Uncertain significance (1 of 4 stars; one submission).

Conditions:
Autosomal recessive limb-girdle muscular dystrophy type 2E (LGMDR4). Also called: MUSCULAR DYSTROPHY, LIMB-GIRDLE, AUTOSOMAL RECESSIVE 4. Identifiers: Orphanet 119, MedGen C1858593, MONDO:0011423, OMIM 604286. Disease mechanism: Affects gamma-sarcoglycan and also disrupts the integrity of the entire sarcoglycan complex..

Submission:

Kariminejad - Najmabadi Pathology & Genetics Center
Classification: Uncertain significance for Autosomal recessive limb-girdle muscular dystrophy type 2E. Last evaluated: 2022-02-06. Review status: criteria provided, single submitter. Criteria: ACMG Guidelines, 2015. Collection method: clinical testing. Allele origin: germline. Inheritance: Autosomal recessive inheritance. Affected: yes.
Comment: PM2, PP3

NM_000232.5(SGCB):c.614C>A (p.Thr205Asn)

Gene: SGCB (sarcoglycan beta; minus strand). Cytogenetic location: 4q12.
Variant type: single nucleotide variant.
Coding change: c.614C>A on transcript NM_000232.5 (MANE Select); coding-DNA position 614, C replaced by A.
Protein change: p.Thr205Asn; replaces threonine 205 with asparagine.
Molecular consequence: missense variant.
Genome position (GRCh38, 1-based): chr4:52,028,737, G>T on the plus strand (C>A on the coding strand, the complement: SGCB is on the minus strand). VCF-style: chr4-52028737-G-T. GRCh37 (hg19) VCF-style: chr4-52894903-G-T.
Other names: short protein forms T205N.
Identifiers: ClinVar variation 3897000 (VCV003897000.1).
Genomic context (GRCh38, chr4:52,028,737, plus strand): 5'-AACTCTAGAGAATAATTCTCTCCCATTAGTAAAACAAAGCCAATAAATCATACCCTTTCA[G>T]TAGATGCCTTTTGAACATTCAAACTTTTCACTCCACTTGGCAAATGAAACTCATGAGTTT-3'
Protein context (NP_000223.1, residues 195-215): VKSLNVQKAS[Thr205Asn]ERITSNATSD